The following is an entry in ClinVar:

Conditions:
Breast-ovarian cancer, familial, susceptibility to, 1 (BROVCA1). Also called: BRCA1 Hereditary Breast and Ovarian Cancer; OVARIAN CANCER, SUSCEPTIBILITY TO. Identifiers: Orphanet 145, MedGen C2676676, MONDO:0011450, OMIM 604370. Disease mechanism: loss of function.

Submission:

Brotman Baty Institute, University of Washington
No classification provided (evidence only). Condition: Breast-ovarian cancer, familial 1. Review status: no classification provided. Collection method: in vitro. Allele origin: not applicable. Functional consequence: functionally_normal.
ClinVar note: "not provided" was previously submitted as the classification for the variant. However, the classification appeared to be based only on an observation of functional data so it was converted to no classification on 2025-07-30.

NM_007294.4(BRCA1):c.4902G>C (p.Arg1634Ser)

Gene: BRCA1 (BRCA1 DNA repair associated; minus strand). Cytogenetic location: 17q21.31.
Variant type: single nucleotide variant.
Coding change: c.4902G>C on transcript NM_007294.4 (MANE Select); coding-DNA position 4902, G replaced by C.
Protein change: p.Arg1634Ser; replaces arginine 1634 with serine.
Molecular consequence: missense variant. On other transcripts: non-coding transcript variant (1).
Genome position (GRCh38, 1-based): chr17:43,071,012, C>G on the plus strand (G>C on the coding strand, the complement: BRCA1 is on the minus strand). VCF-style: chr17-43071012-C-G. GRCh37 (hg19) VCF-style: chr17-41223029-C-G.
Other names: c.4689G>C, p.Arg1563Ser (NM_001407571.1, NM_001407894.1, NM_001407895.1 and 12 more transcripts); c.4968G>C, p.Arg1656Ser (NM_001407581.1, NM_001407582.1); c.4965G>C, p.Arg1655Ser (NM_001407583.1, NM_001407585.1, NM_001407587.1 and 1 more transcripts); c.4962G>C, p.Arg1654Ser (NM_001407590.1, NM_001407591.1); c.4902G>C, p.Arg1634Ser (NM_001407593.1, NM_001407594.1, NM_001407596.1 and 8 more transcripts); c.4899G>C, p.Arg1633Ser (NM_001407619.1, NM_001407620.1, NM_001407621.1 and 17 more transcripts); c.4896G>C, p.Arg1632Ser (NM_001407627.1, NM_001407638.1, NM_001407639.1 and 14 more transcripts); c.4893G>C, p.Arg1631Ser (NM_001407644.1, NM_001407645.1); and 70 more; short protein forms R1587S, R1634S, R1655S, R530S, R1505S, R1523S, R1564S, R1565S.
Identifiers: ClinVar variation 868386 (VCV000868386.3), dbSNP rs746199881, ClinGen allele CA10591720.